The following is an entry in ClinVar:

ClinVar aggregate classification (germline): Uncertain significance (1 of 4 stars; one submission).

Conditions:
Progressive sclerosing poliodystrophy (MTDPS4A). Also called: Mitochondrial DNA depletion syndrome 4A (Alpers type); ALPERS PROGRESSIVE INFANTILE POLIODYSTROPHY; NEURONAL DEGENERATION OF CHILDHOOD WITH LIVER DISEASE, PROGRESSIVE; Mitochondrial DNA Depletion Syndrome 4A; Alpers-Huttenlocher Syndrome (AHS); Alpers Syndrome. Identifiers: Orphanet 726, MedGen C0205710, MONDO:0008758, OMIM 203700.

Submission:

Labcorp Genetics (formerly Invitae), Labcorp
Classification: Uncertain significance for Progressive sclerosing poliodystrophy. Last evaluated: 2024-02-13. Review status: criteria provided, single submitter. Criteria: Invitae Variant Classification Sherloc (09022015). Collection method: clinical testing. Allele origin: germline.
Comment: This sequence change replaces methionine, which is neutral and non-polar, with isoleucine, which is neutral and non-polar, at codon 1057 of the POLG protein (p.Met1057Ile). This variant is not present in population databases (gnomAD no frequency). This variant has not been reported in the literature in individuals affected with POLG-related conditions. ClinVar contains an entry for this variant (Variation ID: 1386338). Advanced modeling of protein sequence and biophysical properties (such as structural, functional, and spatial information, amino acid conservation, physicochemical variation, residue mobility, and thermodynamic stability) performed at Invitae indicates that this missense variant is expected to disrupt POLG protein function with a positive predictive value of 95%. In summary, the available evidence is currently insufficient to determine the role of this variant in disease. Therefore, it has been classified as a Variant of Uncertain Significance.

NM_002693.3(POLG):c.3171G>A (p.Met1057Ile)

Gene: POLG (DNA polymerase gamma, catalytic subunit; minus strand). Cytogenetic location: 15q26.1.
Variant type: single nucleotide variant.
Coding change: c.3171G>A on transcript NM_002693.3 (MANE Select); coding-DNA position 3171, G replaced by A.
Protein change: p.Met1057Ile; replaces methionine 1057 with isoleucine.
Molecular consequence: missense variant.
Genome position (GRCh38, 1-based): chr15:89,319,033, C>T on the plus strand (G>A on the coding strand, the complement: POLG is on the minus strand). VCF-style: chr15-89319033-C-T. GRCh37 (hg19) VCF-style: chr15-89862264-C-T.
Other names: c.3171G>A, p.Met1057Ile (NM_001126131.2); short protein forms M1057I.
Identifiers: ClinVar variation 1386338 (VCV001386338.6), dbSNP rs2152059356, ClinGen allele CA393750880.